The following is an entry in ClinVar:

ClinVar aggregate classification (germline): Uncertain significance (1 of 4 stars; one submission).

Allele frequency attached by ClinVar (database versions not stated): gnomAD 0.00001; TOPMed 0.00001.

Submission:

Ambry Genetics
Classification: Uncertain significance. Last evaluated: 2024-01-09. Review status: criteria provided, single submitter. Criteria: Ambry Variant Classification Scheme 2023. Collection method: clinical testing. Allele origin: germline.
Comment: The c.997-5C>A intronic variant results from a C to A substitution 5 nucleotides upstream from coding exon 8 in the RINT1 gene. This nucleotide position is not well conserved in available vertebrate species. In silico splice site analysis predicts that this alteration will not have any significant effect on splicing. The evidence for this gene-disease relationship is limited; therefore, the clinical significance of this alteration is unclear.

NM_021930.6(RINT1):c.997-5C>A

Gene: RINT1 (RAD50 interactor 1; plus strand). Cytogenetic location: 7q22.3.
Variant type: single nucleotide variant.
Coding change: c.997-5C>A on transcript NM_021930.6 (MANE Select); 5 bases into the intron before coding-DNA position 997, C replaced by A.
Molecular consequence: intron variant.
Genome position (GRCh38, 1-based): chr7:105,550,050, C>A. VCF-style: chr7-105550050-C-A. GRCh37 (hg19) VCF-style: chr7-105190497-C-A.
Other names: c.-23-9C>A (NM_001346600.2); c.73-5C>A (NM_001346601.2); c.-27-5C>A (NM_001346603.2); c.763-5C>A (NM_001346599.2).
Identifiers: ClinVar variation 3227680 (VCV003227680.1), dbSNP rs1187416587, ClinGen allele CA576985826.